The following is an entry in ClinVar:

NM_001042492.3(NF1):c.3708+1G>C

Gene: NF1 (neurofibromin 1; plus strand). Cytogenetic location: 17q11.2.
Variant type: single nucleotide variant.
Coding change: c.3708+1G>C on transcript NM_001042492.3 (MANE Select); the canonical splice donor site of the intron after coding-DNA position 3708, G replaced by C.
Molecular consequence: splice donor variant.
Genome position (GRCh38, 1-based): chr17:31,233,214, G>C. VCF-style: chr17-31233214-G-C. GRCh37 (hg19) VCF-style: chr17-29560232-G-C.
Other names: c.3708+1G>C (NM_000267.4).
Identifiers: ClinVar variation 1069723 (VCV001069723.1), dbSNP rs1420779915, ClinGen allele CA398990785.

ClinVar aggregate classification (germline): Pathogenic (1 of 4 stars; one submission).

Conditions:
Neurofibromatosis, type 1 (NF1). Also called: VON RECKLINGHAUSEN DISEASE; Peripheral type neurofibromatosis; NEUROFIBROMATOSIS, TYPE I, SOMATIC; Neurofibromatosis, type I. Identifiers: Orphanet 636, MedGen C0027831, MONDO:0018975, OMIM 162200. Disease mechanism: loss of function.

Submission:

Labcorp Genetics (formerly Invitae), Labcorp
Classification: Pathogenic for Neurofibromatosis, type 1. Last evaluated: 2020-07-29. Review status: criteria provided, single submitter. Criteria: Invitae Variant Classification Sherloc (09022015). Collection method: clinical testing. Allele origin: germline.
Comment: This sequence change affects a donor splice site in intron 27 of the NF1 gene. It is expected to disrupt RNA splicing and likely results in an absent or disrupted protein product. This variant is not present in population databases (ExAC no frequency). Disruption of this splice site has been observed in individual(s) with clinical features of neurofibromatosis type 1 (PMID: 17311297, 30308447). Experimental studies have shown that this variant disrupts mRNA splicing (PMID: 17311297). Donor and acceptor splice site variants typically lead to a loss of protein function (PMID: 16199547), and loss-of-function variants in NF1 are known to be pathogenic (PMID: 10712197, 23913538). For these reasons, this variant has been classified as Pathogenic.

Literature cited by the submitters: PubMed 17311297; PubMed 30308447; PubMed 16199547; PubMed 10712197; PubMed 23913538.